The following is an entry in ClinVar:

ClinVar aggregate classification (germline): Pathogenic. Review status: criteria provided, single submitter (1 of 4 stars). 2 submissions from 2 submitters: Pathogenic (1). 1 of the submissions does not count toward it. Last evaluated 2024-02-07.

Conditions:
Cohen syndrome (COH1). Also called: Cutis verticis gyrata, retinitis pigmentosa, and sensorineural deafness; PEPPER SYNDROME. Identifiers: Orphanet 193, MedGen C0265223, MONDO:0008999, OMIM 216550.

Submissions (2):

Labcorp Genetics (formerly Invitae), Labcorp
Classification: Pathogenic for Cohen syndrome. Last evaluated: 2024-02-07. Review status: criteria provided, single submitter. Criteria: Invitae Variant Classification Sherloc (09022015). Collection method: clinical testing. Allele origin: germline.
Comment: This sequence change creates a premature translational stop signal (p.Lys3991Cysfs*2) in the VPS13B gene. While this is not anticipated to result in nonsense mediated decay, it is expected to disrupt the last 32 amino acid(s) of the VPS13B protein. This variant is not present in population databases (gnomAD no frequency). This variant has not been reported in the literature in individuals affected with VPS13B-related conditions. ClinVar contains an entry for this variant (Variation ID: 557172). This variant disrupts a region of the VPS13B protein in which other variant(s) (p.Lys3991Leufs*23) have been determined to be pathogenic (Invitae). This suggests that this is a clinically significant region of the protein, and that variants that disrupt it are likely to be disease-causing. For these reasons, this variant has been classified as Pathogenic.

Counsyl
Classification: Uncertain significance for Cohen syndrome. Last evaluated: 2018-03-12. Review status: no assertion criteria provided. Collection method: clinical testing. Allele origin: unknown. Not counted in ClinVar's aggregate classification.

NM_152564.5(VPS13B):c.11892_11895dup (p.Lys3966delinsCysTer)

Gene: VPS13B (vacuolar protein sorting 13 homolog B; plus strand). Cytogenetic location: 8q22.2.
Variant type: Duplication.
Coding change: c.11892_11895dup on transcript NM_152564.5 (MANE Select); coding-DNA positions 11892 to 11895, 4 bases duplicated (TGTT; older notation c.11892_11895dupTGTT).
Protein change: p.Lys3966delinsCysTer.
Molecular consequence: nonsense.
Genome position (GRCh38, 1-based): chr8:99,875,564-99,875,567, TGTT duplicated. VCF-style (leftmost placement, unchanged base first): chr8-99875563-C-CTGTT. GRCh37 (hg19) VCF-style: chr8-100887791-C-CTGTT.
Other names: c.11967_11970dup, p.Lys3991delinsCysTer (NM_017890.5); c.11967_11970dupTGTT (NM_017890.4).
Identifiers: ClinVar variation 557172 (VCV000557172.4), dbSNP rs1554590486, ClinGen allele CA658821993.